The following is an entry in ClinVar:

ClinVar aggregate classification (germline): Uncertain significance (1 of 4 stars; one submission).

gnomAD v4.1: 4 of 1,613,750 alleles (0.00025%); highest among the groups gnomAD compares: Non-Finnish European, 0.00034%; no homozygotes.

Submission:

Labcorp Genetics (formerly Invitae), Labcorp
Classification: Uncertain significance. Last evaluated: 2025-08-31. Review status: criteria provided, single submitter. Criteria: Invitae Variant Classification Sherloc (09022015). Collection method: clinical testing. Allele origin: germline.
Comment: This sequence change replaces isoleucine, which is neutral and non-polar, with valine, which is neutral and non-polar, at codon 1738 of the CACNA1D protein (p.Ile1738Val). This variant is not present in population databases (gnomAD no frequency). This variant has not been reported in the literature in individuals affected with CACNA1D-related conditions. An algorithm developed to predict the effect of missense changes on protein structure and function outputs the following: PolyPhen-2: "Benign". The valine amino acid residue is found in multiple mammalian species, which suggests that this missense change does not adversely affect protein function. In summary, the available evidence is currently insufficient to determine the role of this variant in disease. Therefore, it has been classified as a Variant of Uncertain Significance.

NM_001128840.3(CACNA1D):c.5152A>G (p.Ile1718Val)

Gene: CACNA1D (calcium voltage-gated channel subunit alpha1 D; plus strand). Cytogenetic location: 3p21.1.
Variant type: single nucleotide variant.
Coding change: c.5152A>G on transcript NM_001128840.3 (MANE Select); coding-DNA position 5152, A replaced by G.
Protein change: p.Ile1718Val; replaces isoleucine 1718 with valine.
Molecular consequence: missense variant.
Genome position (GRCh38, 1-based): chr3:53,801,169, A>G. VCF-style: chr3-53801169-A-G. GRCh37 (hg19) VCF-style: chr3-53835196-A-G.
Other names: c.5212A>G, p.Ile1738Val (NM_000720.4); c.5107A>G, p.Ile1703Val (NM_001128839.3); short protein forms I1703V, I1718V, I1738V.
Identifiers: ClinVar variation 4803418 (VCV004803418.1).